The following is an entry in ClinVar:

NM_198253.3(TERT):c.2468+103G>A

Gene: TERT (telomerase reverse transcriptase; minus strand). Cytogenetic location: 5p15.33.
Variant type: single nucleotide variant.
Coding change: c.2468+103G>A on transcript NM_198253.3 (MANE Select); 103 bases into the intron after coding-DNA position 2468, G replaced by A.
Molecular consequence: intron variant.
Genome position (GRCh38, 1-based): chr5:1,271,016, C>T on the plus strand (G>A on the coding strand, the complement: TERT is on the minus strand). VCF-style: chr5-1271016-C-T. GRCh37 (hg19) VCF-style: chr5-1271131-C-T.
Other names: c.2468+103G>A (NM_001193376.3).
Identifiers: ClinVar variation 2664729 (VCV002664729.2), dbSNP rs1383374657, ClinGen allele CA803452456.

ClinVar aggregate classification (germline): Uncertain significance. Review status: criteria provided, multiple submitters, no conflicts (2 of 4 stars). 2 submissions from 2 submitters: Uncertain significance (2). Last evaluated 2023-09-23.

Conditions:
Dyskeratosis congenita, autosomal dominant 2. Identifiers: MedGen C3151443, MONDO:0013521, OMIM 613989.

Allele frequency attached by ClinVar (database versions not stated): TOPMed 0.00001; gnomAD 0.00002.
gnomAD v4.1: 16 of 945,408 alleles (0.0017%); highest among the groups gnomAD compares: Non-Finnish European, 0.0025%; no homozygotes.

Submissions (2):

Baylor Genetics
Classification: Uncertain significance for Dyskeratosis congenita, autosomal dominant 2. Last evaluated: 2023-09-23. Review status: criteria provided, single submitter. Criteria: ACMG Guidelines, 2015. Collection method: clinical testing. Allele origin: unknown.

Genetics and Molecular Pathology, SA Pathology
Classification: Uncertain significance for Dyskeratosis congenita, autosomal dominant 2. Last evaluated: 2023-03-22. Review status: criteria provided, single submitter. Criteria: ACMG Guidelines, 2015. Collection method: clinical testing. Allele origin: germline. Affected: yes.
Comment: The TERT c.2468+103G>A variant is classified as a VARIANT OF UNCERTAIN SIGNIFICANCE (PM2, PP3) TERT c.2468+103G>A is located in intron 8/15. The variant is rare in population databases (gnomAD allele frequency = 0.0019%; 3 het and 0 hom in 152182 sequenced alleles; highest frequency = 0.0029%, Non-Finnish European population) (PM2). Computational predictions support a deleterious effect on the gene, predicting a splice acceptor gain (PP3). The variant has been reported in dbSNP (rs1383374657). It has not been reported in ClinVar or HGMD.